The following is an entry in ClinVar:

ClinVar aggregate classification (germline): Pathogenic. Review status: reviewed by expert panel (3 of 4 stars). 2 submissions from 2 submitters: Pathogenic (1). 1 of the submissions does not count toward it. Last evaluated 2016-09-08.

Conditions:
Breast-ovarian cancer, familial, susceptibility to, 1 (BROVCA1). Also called: BRCA1 Hereditary Breast and Ovarian Cancer; OVARIAN CANCER, SUSCEPTIBILITY TO. Identifiers: Orphanet 145, MedGen C2676676, MONDO:0011450, OMIM 604370. Disease mechanism: loss of function.

Submissions (2):

Evidence-based Network for the Interpretation of Germline Mutant Alleles (ENIGMA)
Classification: Pathogenic for Breast-ovarian cancer, familial, susceptibility to, 1. Last evaluated: 2016-09-08. Review status: reviewed by expert panel. Criteria: ENIGMA BRCA1/2 Classification Criteria (2015). Collection method: curation. Allele origin: germline.
Comment: Variant allele predicted to encode a truncated non-functional protein.

Breast Cancer Information Core (BIC) (BRCA1)
Classification: Pathogenic for Breast-ovarian cancer, familial 1. Last evaluated: 2003-12-23. Review status: no assertion criteria provided. Collection method: clinical testing. Allele origin: germline. Affected: yes. Observed: 1 variant allele. Not counted in ClinVar's aggregate classification.

NM_007294.4(BRCA1):c.822T>A (p.Cys274Ter)

Gene: BRCA1 (BRCA1 DNA repair associated; minus strand). Cytogenetic location: 17q21.31.
Variant type: single nucleotide variant.
Coding change: c.822T>A on transcript NM_007294.4 (MANE Select); coding-DNA position 822, T replaced by A.
Protein change: p.Cys274Ter; replaces cysteine 274 with a stop codon.
Molecular consequence: nonsense. On other transcripts: 5 prime UTR variant (2), intron variant (137).
Genome position (GRCh38, 1-based): chr17:43,094,709, A>T on the plus strand (T>A on the coding strand, the complement: BRCA1 is on the minus strand). VCF-style: chr17-43094709-A-T. GRCh37 (hg19) VCF-style: chr17-41246726-A-T.
Other names: c.609T>A, p.Cys203Ter (NM_001407571.1, NM_001407899.1, NM_001407853.1 and 9 more transcripts); c.822T>A, p.Cys274Ter (NM_001407581.1, NM_001407582.1, NM_001407583.1 and 30 more transcripts); c.819T>A, p.Cys273Ter (NM_001407587.1, NM_001407590.1, NM_001407591.1 and 22 more transcripts); c.699T>A, p.Cys233Ter (NM_001407648.1, NM_001407669.1, NM_001407674.1 and 19 more transcripts); c.696T>A, p.Cys232Ter (NM_001407649.1, NM_001407670.1, NM_001407671.1 and 11 more transcripts); c.744T>A, p.Cys248Ter (NM_001407653.1, NM_001407654.1, NM_001407655.1 and 4 more transcripts); c.681T>A, p.Cys227Ter (NM_001407692.1, NM_001407694.1, NM_001407695.1 and 29 more transcripts); c.678T>A, p.Cys226Ter (NM_001407740.1, NM_001407741.1, NM_001407838.1 and 20 more transcripts); and 40 more; short protein forms C274*, C227*, C106*, C206*, C207*, C248*, C271*, C146*.
Identifiers: ClinVar variation 55724 (VCV000055724.3), dbSNP rs80357331, ClinGen allele CA003919.